The following is an entry in ClinVar:

ClinVar aggregate classification (germline): Conflicting classifications of pathogenicity. Review status: criteria provided, conflicting classifications (1 of 4 stars). 6 submissions from 5 submitters: Uncertain significance (3); Likely benign (3). Last evaluated 2025-05-23.

Conditions:
ALS2-related disorder. Also called: ALS2-Related Spectrum Disorders; ALS2-related disorders; ALS2-related condition. Identifiers: MedGen CN169291.
Infantile-onset ascending hereditary spastic paralysis (IAHSP). Also called: Autosomal Recessive Juvenile Amyotrophic Lateral Sclerosis; Infantile-Onset Ascending Hereditary Spastic Paralysis (IAHSP). Identifiers: Orphanet 293168, MedGen C2931441, MONDO:0011797, OMIM 607225. Disease mechanism: loss of function.
Inborn genetic diseases. Identifiers: MedGen C0950123, MeSH D030342.
Amyotrophic lateral sclerosis type 2, juvenile. Also called: Amyotrophic lateral sclerosis type 2; ALS, JUVENILE. Identifiers: Orphanet 300605, MedGen C1859807, MONDO:0008780, OMIM 205100.

Allele frequency attached by ClinVar (database versions not stated): gnomAD 0.00001 and 0.00006; TOPMed 0.00004; gnomAD exomes 0.00006 and 0.00012; ExAC 0.00010; 1000 Genomes Project 30x 0.00016; 1000 Genomes Project 0.00020.
gnomAD v4.1: 93 of 1,612,384 alleles (0.0058%); highest among the groups gnomAD compares: South Asian, 0.065%; no homozygotes.

Submissions (6):

PreventionGenetics, part of Exact Sciences
Classification: Likely benign for ALS2-related condition. Last evaluated: 2025-05-23. Review status: criteria provided, single submitter. Criteria: ACMG Guidelines, 2015. Collection method: clinical testing. Allele origin: germline.
Comment: This variant is classified as likely benign based on ACMG/AMP sequence variant interpretation guidelines (Richards et al. 2015 PMID: 25741868, with internal and published modifications).

Ambry Genetics
Classification: Likely benign for Inborn genetic diseases. Last evaluated: 2024-08-05. Review status: criteria provided, single submitter. Criteria: Ambry Variant Classification Scheme 2023. Collection method: clinical testing. Allele origin: germline.

Labcorp Genetics (formerly Invitae), Labcorp
Classification: Likely benign for Infantile-onset ascending hereditary spastic paralysis. Last evaluated: 2022-12-23. Review status: criteria provided, single submitter. Criteria: Invitae Variant Classification Sherloc (09022015). Collection method: clinical testing. Allele origin: germline.

GeneDx
Classification: Uncertain significance. Last evaluated: 2019-07-18. Review status: criteria provided, single submitter. Criteria: GeneDx Variant Classification Process June 2021. Collection method: clinical testing. Allele origin: germline. Affected: yes.
Comment: Has not been previously published as pathogenic or benign to our knowledge; In-silico analysis, which includes splice predictors and evolutionary conservation, is inconclusive as to whether the variant alters gene splicing. In the absence of RNA/functional studies, the actual effect of this sequence change is unknown.

Illumina Laboratory Services, Illumina
Classification: Uncertain significance for Amyotrophic lateral sclerosis type 2. Last evaluated: 2018-01-13. Review status: criteria provided, single submitter. Criteria: ICSL Variant Classification Criteria 13 December 2019. Collection method: clinical testing. Allele origin: germline.

Illumina Laboratory Services, Illumina
Classification: Uncertain significance for ALS2-Related Disorders. Last evaluated: 2018-01-13. Review status: criteria provided, single submitter. Criteria: ICSL Variant Classification Criteria 13 December 2019. Collection method: clinical testing. Allele origin: germline.

NM_020919.4(ALS2):c.3345C>T (p.Tyr1115=)

Gene: ALS2 (alsin Rho guanine nucleotide exchange factor ALS2; minus strand). Cytogenetic location: 2q33.1.
Variant type: single nucleotide variant.
Coding change: c.3345C>T on transcript NM_020919.4 (MANE Select); coding-DNA position 3345, C replaced by T.
Protein change: p.Tyr1115=; no amino-acid change (tyrosine 1115 retained).
Molecular consequence: synonymous variant.
Genome position (GRCh38, 1-based): chr2:201,725,358, G>A on the plus strand (C>T on the coding strand, the complement: ALS2 is on the minus strand). VCF-style: chr2-201725358-G-A. GRCh37 (hg19) VCF-style: chr2-202590081-G-A.
Identifiers: ClinVar variation 895080 (VCV000895080.14), dbSNP rs557709223, ClinGen allele CA2057910.